The following is an entry in ClinVar:

ClinVar aggregate classification (germline): Likely pathogenic. Review status: criteria provided, multiple submitters, no conflicts (2 of 4 stars). 2 submissions from 2 submitters: Likely pathogenic (2). Last evaluated 2025-01-31.

Conditions:
Hereditary cancer-predisposing syndrome. Also called: Neoplastic Syndromes, Hereditary; Tumor predisposition; Hereditary neoplastic syndrome; Hereditary Cancer Syndrome. Identifiers: Orphanet 140162, MedGen C0027672, MeSH D009386, MONDO:0015356.
Familial cancer of breast. Also called: BREAST CANCER, FAMILIAL; Hereditary breast cancer; hereditary breast carcinoma. Identifiers: Orphanet 227535, MedGen C0346153, MONDO:0016419, OMIM 114480. Disease mechanism: loss of function.

Submissions (2):

Ambry Genetics
Classification: Likely pathogenic for Hereditary cancer-predisposing syndrome. Last evaluated: 2025-01-31. Review status: criteria provided, single submitter. Criteria: Ambry Variant Classification Scheme 2023. Collection method: clinical testing. Allele origin: germline.
Comment: The c.5674+1dupG intronic variant, results from a duplication of one nucleotide at nucleotide position 5674 after intron 36 of the ATM gene. This nucleotide position is highly conserved in available vertebrate species. In silico splice site analysis predicts that this alteration will weaken the native splice donor site and will result in the creation or strengthening of a novel splice donor site. RNA studies have demonstrated that this alteration results in abnormal splicing in the set of samples tested (Ambry internal data). Based on the majority of available evidence to date, this variant is likely to be pathogenic.

Myriad Genetics, Inc.
Classification: Likely pathogenic for Familial cancer of breast. Last evaluated: 2024-01-25. Review status: criteria provided, single submitter. Criteria: Myriad Autosomal Dominant, Autosomal Recessive and X-Linked Classification Criteria (2023). Collection method: clinical testing. Allele origin: unknown.
Comment: This variant is considered likely pathogenic. This variant occurs within a consensus splice junction and is predicted to result in abnormal mRNA splicing of either an out-of-frame exon or an in-frame exon necessary for protein stability and/or normal function.

NM_000051.4(ATM):c.5674+1dup

Gene: ATM (ATM serine/threonine kinase; plus strand). Cytogenetic location: 11q22.3.
Variant type: Duplication.
Coding change: c.5674+1dup on transcript NM_000051.4 (MANE Select); the canonical splice donor site of the intron after coding-DNA position 5674, one base duplicated (G; older notation c.5674+1dupG).
Molecular consequence: splice donor variant.
Genome position (GRCh38, 1-based): chr11:108,304,853, G duplicated; the last of 2 consecutive G bases (chr11:108,304,852-108,304,853); duplicating either gives the same sequence. VCF-style (leftmost placement, unchanged base first): chr11-108304851-A-AG. GRCh37 (hg19) VCF-style: chr11-108175578-A-AG.
Other names: c.5674+1dup (NM_001351834.2); c.5674+1dupG (NM_000051.3).
Identifiers: ClinVar variation 3148098 (VCV003148098.2), dbSNP rs2546988633, ClinGen allele CA2825001914.